The following is an entry in ClinVar:

NM_003919.3(SGCE):c.1178T>C (p.Val393Ala)

Genes: CASD1 (CAS1 domain sialic acid O acetyltransferase 1; plus strand), SGCE (sarcoglycan epsilon; minus strand). Cytogenetic location: 7q21.3.
Variant type: single nucleotide variant.
Coding change: c.1178T>C on transcript NM_003919.3 (MANE Select); coding-DNA position 1178, T replaced by C.
Protein change: p.Val393Ala; replaces valine 393 with alanine.
Molecular consequence: missense variant.
Genome position (GRCh38, 1-based): chr7:94,598,850, A>G on the plus strand (T>C on the coding strand, the complement: SGCE is on the minus strand). VCF-style: chr7-94598850-A-G. GRCh37 (hg19) VCF-style: chr7-94228162-A-G.
Other names: c.1178T>C (NM_003919.2); c.1151T>C, p.Val384Ala (NM_001099400.2, NM_001346717.2); c.1178T>C, p.Val393Ala (NM_001099401.2); c.1055T>C, p.Val352Ala (NM_001301139.2); c.1286T>C, p.Val429Ala (NM_001346713.2); c.1259T>C, p.Val420Ala (NM_001346715.2); c.1091T>C, p.Val364Ala (NM_001346719.2); c.905T>C, p.Val302Ala (NM_001346720.2); and 3 more; short protein forms V302A, V384A, V420A, V429A, V293A, V343A, V355A, V364A.
Identifiers: ClinVar variation 2915241 (VCV002915241.4), dbSNP rs200020922, ClinGen allele CA162920372.

ClinVar aggregate classification (germline): Uncertain significance. Review status: criteria provided, multiple submitters, no conflicts (2 of 4 stars). 2 submissions from 2 submitters: Uncertain significance (2). Last evaluated 2026-07-08.

Conditions:
Myoclonic dystonia 11 (DYT11). Also called: DYT-SGCE; Myoclonic dystonia; Dystonia 11; Dystonia, alcohol responsive; Hereditary essential myoclonus; SGCE Myoclonus-Dystonia. Identifiers: Orphanet 36899, MedGen C1834570, MONDO:0008044, OMIM 159900.
Inborn genetic diseases. Identifiers: MedGen C0950123, MeSH D030342.

Allele frequency attached by ClinVar (database versions not stated): gnomAD exomes below 0.00001.
gnomAD v4.1: 6 of 1,613,074 alleles (0.00037%); highest among the groups gnomAD compares: Admixed American, 0.005%; no homozygotes.

Submissions (2):

Ambry Genetics
Classification: Uncertain significance for Inborn genetic diseases. Last evaluated: 2026-07-08. Review status: criteria provided, single submitter. Criteria: Ambry Variant Classification Scheme 2023. Collection method: clinical testing. Allele origin: germline.
Comment: The c.1178T>C (p.V393A) alteration is located in exon 9 (coding exon 9) of the SGCE gene. This alteration results from a T to C substitution at nucleotide position 1178, causing the valine (V) at amino acid position 393 to be replaced by an alanine (A). Based on data from gnomAD, the C allele has an overall frequency of 0.001% (3/251252) total alleles studied. The highest observed frequency was 0.009% (3/34574) of Latino alleles. Based on insufficient or conflicting evidence, the clinical significance of this alteration remains unclear.

Labcorp Genetics (formerly Invitae), Labcorp
Classification: Uncertain significance for Myoclonic dystonia 11. Last evaluated: 2023-07-30. Review status: criteria provided, single submitter. Criteria: Invitae Variant Classification Sherloc (09022015). Collection method: clinical testing. Allele origin: germline.
Comment: In summary, the available evidence is currently insufficient to determine the role of this variant in disease. Therefore, it has been classified as a Variant of Uncertain Significance. Advanced modeling of protein sequence and biophysical properties (such as structural, functional, and spatial information, amino acid conservation, physicochemical variation, residue mobility, and thermodynamic stability) performed at Invitae indicates that this missense variant is not expected to disrupt SGCE protein function. This variant has not been reported in the literature in individuals affected with SGCE-related conditions. This variant is present in population databases (rs200020922, gnomAD 0.009%). This sequence change replaces valine, which is neutral and non-polar, with alanine, which is neutral and non-polar, at codon 393 of the SGCE protein (p.Val393Ala).